The following is an entry in ClinVar:

ClinVar aggregate classification (germline): Benign/Likely benign. Review status: criteria provided, multiple submitters, no conflicts (2 of 4 stars). 5 submissions from 5 submitters: Benign (1); Likely benign (3). 1 of the submissions does not count toward it. Last evaluated 2025-05-19.

Conditions:
Familial cancer of breast. Also called: BREAST CANCER, FAMILIAL; Hereditary breast cancer; hereditary breast carcinoma. Identifiers: Orphanet 227535, MedGen C0346153, MONDO:0016419, OMIM 114480. Disease mechanism: loss of function.
Fanconi anemia complementation group J. Also called: BRIP1-Related Fanconi Anemia. Identifiers: Orphanet 84, MedGen C1836860, MONDO:0012187, OMIM 609054.
BRIP1-related disorder. Also called: BRIP1-related condition; BRIP1-related disorders. Identifiers: MedGen CN239206.
Hereditary cancer-predisposing syndrome. Also called: Neoplastic Syndromes, Hereditary; Tumor predisposition; Hereditary neoplastic syndrome; Hereditary Cancer Syndrome. Identifiers: Orphanet 140162, MedGen C0027672, MeSH D009386, MONDO:0015356.

Allele frequency attached by ClinVar (database versions not stated): gnomAD exomes 0.00001.
gnomAD v4.1: 8 of 1,614,084 alleles (0.0005%); highest among the groups gnomAD compares: Non-Finnish European, 0.00068%; no homozygotes.

Submissions (5):

Labcorp Genetics (formerly Invitae), Labcorp
Classification: Likely benign for Familial cancer of breast; Fanconi anemia complementation group J. Last evaluated: 2025-05-19. Review status: criteria provided, single submitter. Criteria: Invitae Variant Classification Sherloc (09022015). Collection method: clinical testing. Allele origin: germline.

Myriad Genetics, Inc.
Classification: Benign for Familial cancer of breast. Last evaluated: 2024-09-05. Review status: criteria provided, single submitter. Criteria: Myriad Autosomal Dominant, Autosomal Recessive and X-Linked Classification Criteria (2023). Collection method: clinical testing. Allele origin: unknown.
Comment: This variant is considered benign. This variant is a silent/synonymous amino acid change and it is not expected to impact splicing.

Ambry Genetics
Classification: Likely benign for Hereditary cancer-predisposing syndrome. Last evaluated: 2020-08-31. Review status: criteria provided, single submitter. Criteria: Ambry Variant Classification Scheme 2023. Collection method: clinical testing. Allele origin: germline.

Color Diagnostics, LLC DBA Color Health
Classification: Likely benign for Hereditary cancer-predisposing syndrome. Last evaluated: 2018-03-24. Review status: criteria provided, single submitter. Criteria: ACMG Guidelines, 2015. Collection method: clinical testing. Allele origin: germline.

PreventionGenetics, part of Exact Sciences
Classification: Likely benign for BRIP1-related condition. Last evaluated: 2021-09-24. Review status: no assertion criteria provided. Collection method: clinical testing. Allele origin: germline. Not counted in ClinVar's aggregate classification.
Comment: This variant is classified as likely benign based on ACMG/AMP sequence variant interpretation guidelines (Richards et al. 2015 PMID: 25741868, with internal and published modifications).

NM_032043.3(BRIP1):c.2739T>C (p.Ser913=)

Gene: BRIP1 (BRCA1 interacting DNA helicase 1; minus strand). Cytogenetic location: 17q23.2.
Variant type: single nucleotide variant.
Coding change: c.2739T>C on transcript NM_032043.3 (MANE Select); coding-DNA position 2739, T replaced by C.
Protein change: p.Ser913=; no amino-acid change (serine 913 retained).
Molecular consequence: synonymous variant.
Genome position (GRCh38, 1-based): chr17:61,686,002, A>G on the plus strand (T>C on the coding strand, the complement: BRIP1 is on the minus strand). VCF-style: chr17-61686002-A-G. GRCh37 (hg19) VCF-style: chr17-59763363-A-G.
Identifiers: ClinVar variation 241644 (VCV000241644.20), dbSNP rs878855147, ClinGen allele CA10583621.